The following is an entry in ClinVar:

ClinVar aggregate classification (germline): Likely benign. Review status: criteria provided, single submitter (1 of 4 stars). 2 submissions from 2 submitters: Likely benign (1). 1 of the submissions does not count toward it. Last evaluated 2024-02-20.

Conditions:
BBS1-related disorder. Also called: BBS1-related condition.
Bardet-Biedl syndrome (BBS). Identifiers: Orphanet 110, MedGen C0752166, MONDO:0015229.

Allele frequency attached by ClinVar (database versions not stated): gnomAD exomes below 0.00001 and 0.00001; TOPMed 0.00001; gnomAD 0.00001.
gnomAD v4.1: 5 of 1,614,094 alleles (0.00031%); highest among the groups gnomAD compares: Non-Finnish European, 0.00034%; no homozygotes.

Submissions (2):

Labcorp Genetics (formerly Invitae), Labcorp
Classification: Likely benign for Bardet-Biedl syndrome. Last evaluated: 2024-02-20. Review status: criteria provided, single submitter. Criteria: Invitae Variant Classification Sherloc (09022015). Collection method: clinical testing. Allele origin: germline.

PreventionGenetics, part of Exact Sciences
Classification: Likely benign for BBS1-related condition. Last evaluated: 2019-12-02. Review status: no assertion criteria provided. Collection method: clinical testing. Allele origin: germline. Not counted in ClinVar's aggregate classification.
Comment: This variant is classified as likely benign based on ACMG/AMP sequence variant interpretation guidelines (Richards et al. 2015 PMID: 25741868, with internal and published modifications).

NM_024649.5(BBS1):c.1116A>G (p.Ala372=)

Genes: BBS1 (Bardet-Biedl syndrome 1; plus strand), ZDHHC24 (zDHHC palmitoyltransferase 24; minus strand). Cytogenetic location: 11q13.2.
Variant type: single nucleotide variant.
Coding change: c.1116A>G on transcript NM_024649.5 (MANE Select); coding-DNA position 1116, A replaced by G.
Protein change: p.Ala372=; no amino-acid change (alanine 372 retained).
Molecular consequence: synonymous variant. On other transcripts: intron variant (1).
Genome position (GRCh38, 1-based): chr11:66,526,128, A>G. VCF-style: chr11-66526128-A-G. GRCh37 (hg19) VCF-style: chr11-66293599-A-G.
Other names: c.*21+808T>C (NM_001348571.2).
Identifiers: ClinVar variation 1121643 (VCV001121643.10), dbSNP rs1335578252, ClinGen allele CA475337138.
Genomic context (GRCh38, chr11:66,526,128, plus strand): 5'-TCTTGCTTTCCTCTCCAAGATATTTCCCCAACTAAACTCTGACGTCTCCACATAGGATGC[A>G]GTGACCAGCCTTTGCTTTGGCCGGTACGGGCGGGAGGACAACACCCTCATCATGACCACT-3'
Protein context (NP_078925.3, residues 362-382): ALLNVIHTPD[Ala372=]VTSLCFGRYG